The following is an entry in ClinVar:

NM_003477.3(PDHX):c.474G>T (p.Glu158Asp)

Gene: PDHX (pyruvate dehydrogenase complex component X; plus strand). Cytogenetic location: 11p13.
Variant type: single nucleotide variant.
Coding change: c.474G>T on transcript NM_003477.3 (MANE Select); coding-DNA position 474, G replaced by T.
Protein change: p.Glu158Asp; replaces glutamic acid 158 with aspartic acid.
Molecular consequence: missense variant. On other transcripts: intron variant (1).
Genome position (GRCh38, 1-based): chr11:34,957,515, G>T. VCF-style: chr11-34957515-G-T. GRCh37 (hg19) VCF-style: chr11-34979062-G-T.
Other names: c.294G>T, p.Glu98Asp (NM_001135024.2); c.342+9909G>T (NM_001166158.2); short protein forms E158D, E98D.
Identifiers: ClinVar variation 1698647 (VCV001698647.1), dbSNP rs148723565, ClinGen allele CA5945874.

ClinVar aggregate classification (germline): Uncertain significance (1 of 4 stars; one submission).

gnomAD v4.1: 6 of 1,614,026 alleles (0.00037%); highest among the groups gnomAD compares: Non-Finnish European, 0.00051%; no homozygotes.

Submission:

Women's Health and Genetics/Laboratory Corporation of America, LabCorp
Classification: Uncertain significance. Last evaluated: 2022-06-28. Review status: criteria provided, single submitter. Criteria: LabCorp Variant Classification Summary - May 2015. Collection method: clinical testing. Allele origin: germline.
Comment: Variant summary: PDHX c.474G>T (p.Glu158Asp) results in a conservative amino acid change in the encoded protein sequence. Five of five in-silico tools predict a benign effect of the variant on protein function. The variant allele was found at a frequency of 8e-06 in 251420 control chromosomes (gnomAD). The available data on variant occurrences in the general population are insufficient to allow any conclusion about variant significance. To our knowledge, no occurrence of c.474G>T in individuals affected with Pyruvate Dehydrogenase E3-Binding Protein Deficiency and no experimental evidence demonstrating its impact on protein function have been reported. No clinical diagnostic laboratories have submitted clinical-significance assessments for this variant to ClinVar after 2014. Based on the evidence outlined above, the variant was classified as uncertain significance.